The following is an entry in ClinVar:

ClinVar aggregate classification (germline): Uncertain significance. Review status: criteria provided, multiple submitters, no conflicts (2 of 4 stars). 4 submissions from 4 submitters: Uncertain significance (3). 1 of the submissions does not count toward it. Last evaluated 2026-09-01.

Conditions:
Fanconi anemia complementation group A (FANCA). Also called: Fanconi anemia, group A; FANCA-Related Fanconi Anemia. Identifiers: Orphanet 84, MedGen C3469521, MONDO:0009215, OMIM 227650.
Fanconi anemia (FA). Also called: Fanconi's anemia. Identifiers: Orphanet 84, MedGen C0015625, MeSH D005199, MONDO:0019391.

Allele frequency attached by ClinVar (database versions not stated): gnomAD exomes below 0.00001.
gnomAD v4.1: 6 of 1,614,106 alleles (0.00037%); highest among the groups gnomAD compares: Middle Eastern, 0.016%; no homozygotes.

Submissions (4):

CeGaT Center for Human Genetics Tuebingen
Classification: Uncertain significance. Last evaluated: 2026-09-01. Review status: criteria provided, single submitter. Criteria: CeGaT Center For Human Genetics Tuebingen Variant Classification Criteria Version 2. Collection method: clinical testing. Allele origin: germline. Affected: yes. Observed: 1 variant allele.
Comment: FANCA: PM2, BP4

Labcorp Genetics (formerly Invitae), Labcorp
Classification: Uncertain significance for Fanconi anemia. Last evaluated: 2022-07-29. Review status: criteria provided, single submitter. Criteria: Invitae Variant Classification Sherloc (09022015). Collection method: clinical testing. Allele origin: germline.
Comment: This sequence change replaces proline, which is neutral and non-polar, with arginine, which is basic and polar, at codon 259 of the FANCA protein (p.Pro259Arg). This variant is not present in population databases (gnomAD no frequency). This variant has not been reported in the literature in individuals affected with FANCA-related conditions. ClinVar contains an entry for this variant (Variation ID: 915869). Advanced modeling of protein sequence and biophysical properties (such as structural, functional, and spatial information, amino acid conservation, physicochemical variation, residue mobility, and thermodynamic stability) performed at Invitae indicates that this missense variant is not expected to disrupt FANCA protein function. In summary, the available evidence is currently insufficient to determine the role of this variant in disease. Therefore, it has been classified as a Variant of Uncertain Significance.

Fulgent Genetics
Classification: Uncertain significance for Fanconi anemia complementation group A. Last evaluated: 2021-07-30. Review status: criteria provided, single submitter. Criteria: ACMG Guidelines, 2015. Collection method: clinical testing. Allele origin: unknown.

Istanbul Faculty of Medicine, Istanbul University
Classification: Uncertain significance for Fanconi anemia, complementation group A. Last evaluated: 2020-03-17. Review status: no assertion criteria provided. Collection method: clinical testing. Allele origin: germline. Affected: yes. Observed: 1 variant allele. Not counted in ClinVar's aggregate classification.
Comment: Segregates in family

Literature cited by the submitters: DOI 10.1159/000509838 (cited by Istanbul Faculty of Medicine, Istanbul University).

NM_000135.4(FANCA):c.776C>G (p.Pro259Arg)

Gene: FANCA (FA complementation group A; minus strand). Cytogenetic location: 16q24.3.
Variant type: single nucleotide variant.
Coding change: c.776C>G on transcript NM_000135.4 (MANE Select); coding-DNA position 776, C replaced by G.
Protein change: p.Pro259Arg; replaces proline 259 with arginine.
Molecular consequence: missense variant.
Genome position (GRCh38, 1-based): chr16:89,803,275, G>C on the plus strand (C>G on the coding strand, the complement: FANCA is on the minus strand). VCF-style: chr16-89803275-G-C. GRCh37 (hg19) VCF-style: chr16-89869683-G-C.
Other names: c.776C>G, p.Pro259Arg (NM_001018112.3, NM_001286167.3); c.680C>G, p.Pro227Arg (NM_001351830.2); short protein forms P227R, P259R.
Identifiers: ClinVar variation 915869 (VCV000915869.8), dbSNP rs1598173112, ClinGen allele CA397475977.
Genomic context (GRCh38, chr16:89,803,275, plus strand): 5'-GACGGCTCCTTCCGCTAAACTCTTCACTTGACTTTTCCTCCTACCTGCGGCATTTTTTCA[G>C]GCTCCACAGTTCTTCTCAGATCTGAGTTTTTCTGAAATCCCCTCAAAACAAACATTTGAA-3'
Protein context (NP_000126.2, residues 249-269): KNSDLRRTVE[Pro259Arg]EKMPQVTVDV